The following is an entry in ClinVar:

ClinVar aggregate classification (germline): Conflicting classifications of pathogenicity. Review status: criteria provided, conflicting classifications (1 of 4 stars). 3 submissions from 3 submitters: Uncertain significance (2); Likely benign (1). Last evaluated 2025-07-07.

Conditions:
Nephrolithiasis/nephrocalcinosis. Identifiers: MedGen CN580796.
Familial hypocalciuric hypercalcemia 1. Also called: Hypercalcemia, familial benign type 1. Identifiers: Orphanet 405, Orphanet 93372, MedGen C0342637, MONDO:0007791, OMIM 145980.
Neonatal severe primary hyperparathyroidism. Identifiers: Orphanet 417, MedGen C1832615, MONDO:0009397, OMIM 239200.
Autosomal dominant hypocalcemia 1 (HYPOC1). Also called: HYPOCALCEMIA, FAMILIAL. Identifiers: MedGen C3715128, MONDO:0011013, OMIM 601198.
Epilepsy, idiopathic generalized, susceptibility to, 8. Identifiers: MedGen C2752062, MONDO:0013032, OMIM 612899.
Familial hypocalciuric hypercalcemia (FHH). Also called: Familial benign hypercalcemia. Identifiers: Orphanet 405, MedGen C1809471, MONDO:0018458.

Allele frequency attached by ClinVar (database versions not stated): gnomAD exomes below 0.00001; TOPMed below 0.00001; gnomAD 0.00001.
gnomAD v4.1: 6 of 1,613,928 alleles (0.00037%); highest among the groups gnomAD compares: Admixed American, 0.0033%; no homozygotes.

Submissions (3):

Labcorp Genetics (formerly Invitae), Labcorp
Classification: Likely benign for Familial hypocalciuric hypercalcemia; Autosomal dominant hypocalcemia 1. Last evaluated: 2025-07-07. Review status: criteria provided, single submitter. Criteria: Invitae Variant Classification Sherloc (09022015). Collection method: clinical testing. Allele origin: germline.

Ambry Genetics
Classification: Uncertain significance for Nephrolithiasis/nephrocalcinosis. Last evaluated: 2022-01-16. Review status: criteria provided, single submitter. Criteria: Ambry Variant Classification Scheme 2023. Collection method: clinical testing. Allele origin: germline.
Comment: The p.N893D variant (also known as c.2677A>G), located in coding exon 6 of the CASR gene, results from an A to G substitution at nucleotide position 2677. The asparagine at codon 893 is replaced by aspartic acid, an amino acid with highly similar properties. This amino acid position is conserved. In addition, this alteration is predicted to be tolerated by in silico analysis. Since supporting evidence is limited at this time, the clinical significance of this alteration remains unclear.

Fulgent Genetics
Classification: Uncertain significance for Familial hypocalciuric hypercalcemia 1; Neonatal severe primary hyperparathyroidism; Autosomal dominant hypocalcemia 1; Epilepsy, idiopathic generalized, susceptibility to, 8. Last evaluated: 2021-07-06. Review status: criteria provided, single submitter. Criteria: ACMG Guidelines, 2015. Collection method: clinical testing. Allele origin: unknown.

NM_000388.4(CASR):c.2677A>G (p.Asn893Asp)

Gene: CASR (calcium sensing receptor; plus strand). Cytogenetic location: 3q21.1.
Variant type: single nucleotide variant.
Coding change: c.2677A>G on transcript NM_000388.4 (MANE Select); coding-DNA position 2677, A replaced by G.
Protein change: p.Asn893Asp; replaces asparagine 893 with aspartic acid.
Molecular consequence: missense variant.
Genome position (GRCh38, 1-based): chr3:122,284,631, A>G. VCF-style: chr3-122284631-A-G. GRCh37 (hg19) VCF-style: chr3-122003478-A-G.
Other names: c.2707A>G, p.Asn903Asp (NM_001178065.2); short protein forms N893D, N903D.
Identifiers: ClinVar variation 463934 (VCV000463934.15), dbSNP rs1392921552, ClinGen allele CA354160539.
Genomic context (GRCh38, chr3:122,284,631, plus strand): 5'-CGTTGCAGCACCGCAGCTCACGCTTTCAAGGTGGCTGCCCGGGCCACGCTGCGCCGCAGC[A>G]ACGTCTCCCGCAAGCGGTCCAGCAGCCTTGGAGGCTCCACGGGATCCACCCCCTCCTCCT-3'
Protein context (NP_000379.3, residues 883-903): VAARATLRRS[Asn893Asp]VSRKRSSSLG